The following is an entry in ClinVar:

ClinVar aggregate classification (germline): Uncertain significance (1 of 4 stars; one submission).

Conditions:
Autosomal recessive limb-girdle muscular dystrophy type 2L (LGMDR12). Also called: Limb-girdle muscular dystrophy, type 2L; MUSCULAR DYSTROPHY, LIMB-GIRDLE, AUTOSOMAL RECESSIVE 12; Limb-Girdle Muscular Dystrophy R12 Anoctamin-5-Related (LGMD-R12). Identifiers: Orphanet 206549, MedGen C1969785, MONDO:0012652, OMIM 611307.
Gnathodiaphyseal dysplasia (GDD). Also called: GNATHODIAPHYSEAL SCLEROSIS; OSTEOGENESIS IMPERFECTA WITH UNUSUAL SKELETAL LESIONS. Identifiers: Orphanet 53697, MedGen C1833736, MONDO:0008151, OMIM 166260.

Submission:

Labcorp Genetics (formerly Invitae), Labcorp
Classification: Uncertain significance for Autosomal recessive limb-girdle muscular dystrophy type 2L; Gnathodiaphyseal dysplasia. Last evaluated: 2021-10-03. Review status: criteria provided, single submitter. Criteria: Invitae Variant Classification Sherloc (09022015). Collection method: clinical testing. Allele origin: germline.
Comment: This sequence change replaces leucine with proline at codon 881 of the ANO5 protein (p.Leu881Pro). The leucine residue is moderately conserved and there is a moderate physicochemical difference between leucine and proline. In summary, the available evidence is currently insufficient to determine the role of this variant in disease. Therefore, it has been classified as a Variant of Uncertain Significance. Advanced modeling of protein sequence and biophysical properties (such as structural, functional, and spatial information, amino acid conservation, physicochemical variation, residue mobility, and thermodynamic stability) performed at Invitae indicates that this missense variant is expected to disrupt ANO5 protein function. This variant has not been reported in the literature in individuals affected with ANO5-related conditions. This variant is not present in population databases (ExAC no frequency).

NM_213599.3(ANO5):c.2642T>C (p.Leu881Pro)

Gene: ANO5 (anoctamin 5; plus strand). Cytogenetic location: 11p14.3.
Variant type: single nucleotide variant.
Coding change: c.2642T>C on transcript NM_213599.3 (MANE Select); coding-DNA position 2642, T replaced by C.
Protein change: p.Leu881Pro; replaces leucine 881 with proline.
Molecular consequence: missense variant.
Genome position (GRCh38, 1-based): chr11:22,279,665, T>C. VCF-style: chr11-22279665-T-C. GRCh37 (hg19) VCF-style: chr11-22301211-T-C.
Other names: c.2639T>C, p.Leu880Pro (NM_001142649.2); short protein forms L881P, L880P.
Identifiers: ClinVar variation 1384257 (VCV001384257.6), dbSNP rs1394763627, ClinGen allele CA379925158.
Genomic context (GRCh38, chr11:22,279,665, plus strand): 5'-TTGTGGAGAGAATCAAGAGAGAAAAGTTAATGACTATCAAGATTCTCCATGATTTTGAGC[T>C]CAACAAATTAAAAGAGAACTTGGGAATTAATTCTAATGAATTTGCCAAGCATGTCATGAT-3'
Protein context (NP_998764.1, residues 871-891): MTIKILHDFE[Leu881Pro]NKLKENLGIN